The following is an entry in ClinVar:

ClinVar aggregate classification (germline): Likely benign (1 of 4 stars; one submission).

Allele frequency attached by ClinVar (database versions not stated): gnomAD 0.00001; TOPMed 0.00002; ExAC 0.00003; gnomAD exomes 0.00009.
gnomAD v4.1: 126 of 1,581,516 alleles (0.008%); highest among the groups gnomAD compares: Non-Finnish European, 0.01%; no homozygotes.

Submission:

CeGaT Center for Human Genetics Tuebingen
Classification: Likely benign. Last evaluated: 2026-05-01. Review status: criteria provided, single submitter. Criteria: CeGaT Center For Human Genetics Tuebingen Variant Classification Criteria Version 2. Collection method: clinical testing. Allele origin: germline. Affected: yes. Observed: 2 variant alleles.
Comment: RYR3: BP4, BP7

NM_001036.6(RYR3):c.2790C>T (p.Leu930=)

Gene: RYR3 (ryanodine receptor 3; plus strand). Cytogenetic location: 15q14.
Variant type: single nucleotide variant.
Coding change: c.2790C>T on transcript NM_001036.6 (MANE Select); coding-DNA position 2790, C replaced by T.
Protein change: p.Leu930=; no amino-acid change (leucine 930 retained).
Molecular consequence: synonymous variant.
Genome position (GRCh38, 1-based): chr15:33,631,216, C>T. VCF-style: chr15-33631216-C-T. GRCh37 (hg19) VCF-style: chr15-33923417-C-T.
Other names: c.2790C>T, p.Leu930= (NM_001243996.4).
Identifiers: ClinVar variation 2645137 (VCV002645137.24), dbSNP rs769633289, ClinGen allele CA7458539.
Genomic context (GRCh38, chr15:33,631,216, plus strand): 5'-TGCTGTTCCTAACACTGCAGTTAACCTTAGTCTTCTCCTTCTGTTGTGTCACAGAACCCT[C>T]TTGGCCCTGGGGTGCCACATTGCTCATGTTAACCCAGCTGCTGAGGAGGATCTCAAGAAG-3'
Protein context (NP_001027.3, residues 920-940): LQMSTETLKT[Leu930=]LALGCHIAHV